The following is an entry in ClinVar:

ClinVar aggregate classification (germline): Pathogenic (1 of 4 stars; one submission).

Conditions:
Multiple sulfatase deficiency (MSD). Also called: Mucosulfatidosis; Multiple Sulfatase Deficiency Disease; Sulfatidosis, Juvenile, Austin Type. Identifiers: Orphanet 585, MedGen C0268263, MONDO:0010088, OMIM 272200.

Submission:

Myriad Genetics, Inc.
Classification: Pathogenic for Multiple sulfatase deficiency. Last evaluated: 2024-05-14. Review status: criteria provided, single submitter. Criteria: Myriad Autosomal Dominant, Autosomal Recessive and X-Linked Classification Criteria (2023). Collection method: clinical testing. Allele origin: unknown.
Comment: NM_182760.3(SUMF1):c.796_797ins17(P266Lfs*8) is expected to be pathogenic in the context of multiple sulfatase deficiency. This variant is predicted to lead to an abnormal or absent protein product due to the creation of a premature termination codon in SUMF1, a gene where loss-of-function variants are known to be pathogenic. Please note: this variant was assessed in the context of healthy population screening.

NM_182760.4(SUMF1):c.796_797insTTATACACATCTGTGAT (p.Pro266fs)

Gene: SUMF1 (sulfatase modifying factor 1; minus strand). Cytogenetic location: 3p26.1.
Variant type: Insertion.
Coding change: c.796_797insTTATACACATCTGTGAT on transcript NM_182760.4 (MANE Select); coding-DNA positions 796 to 797, TTATACACATCTGTGAT inserted.
Protein change: p.Pro266fs; shifts the reading frame from proline 266.
Molecular consequence: frameshift variant.
Genome position: GRCh38 VCF-style: chr3-4417171-G-GATCACAGATGTGTATAA. GRCh37 (hg19) VCF-style: chr3-4458855-G-GATCACAGATGTGTATAA.
Other names: c.721_722insTTATACACATCTGTGAT, p.Pro241fs (NM_001164674.2); c.796_797insTTATACACATCTGTGAT, p.Pro266fs (NM_001164675.2); short protein forms P241fs, P266fs.
Identifiers: ClinVar variation 5016205 (VCV005016205.1).